The following is an entry in ClinVar:

ClinVar aggregate classification (germline): Uncertain significance. Review status: criteria provided, multiple submitters, no conflicts (2 of 4 stars). 2 submissions from 2 submitters: Uncertain significance (2). Last evaluated 2025-04-14.

Conditions:
Luscan-Lumish syndrome. Identifiers: Orphanet 597738, MedGen C4085873, MONDO:0014791, OMIM 616831.

Submissions (2):

Labcorp Genetics (formerly Invitae), Labcorp
Classification: Uncertain significance for Luscan-Lumish syndrome. Last evaluated: 2025-04-14. Review status: criteria provided, single submitter. Criteria: Invitae Variant Classification Sherloc (09022015). Collection method: clinical testing. Allele origin: germline.
Comment: This sequence change affects the initiator methionine of the SETD2 mRNA. The next in-frame methionine is located at codon 12. This variant is present in population databases (rs746501547, gnomAD 0.002%). This variant has not been reported in the literature in individuals affected with SETD2-related conditions. In summary, the available evidence is currently insufficient to determine the role of this variant in disease. Therefore, it has been classified as a Variant of Uncertain Significance.

GeneDx
Classification: Uncertain significance. Last evaluated: 2025-01-03. Review status: criteria provided, single submitter. Criteria: GeneDx Variant Classification Process June 2021. Collection method: clinical testing. Allele origin: germline. Affected: yes.
Comment: Not observed at significant frequency in large population cohorts (gnomAD); Deletion involving the initiation codon in a gene for which loss of function is a known mechanism of disease, however an alternative Methionine exists downstream; Has not been previously published as pathogenic or benign to our knowledge

NM_014159.7(SETD2):c.-5_19del (p.Met1_Gln7del)

Genes: SETD2 (SET domain containing 2, histone lysine methyltransferase; minus strand), LOC129936665 (ATAC-STARR-seq lymphoblastoid silent region 14306; plus strand). Cytogenetic location: 3p21.31.
Variant type: Deletion.
Coding change: c.-5_19del on transcript NM_014159.7 (MANE Select); 5 bases upstream of the start codon through coding-DNA position 19, 24 bases deleted (TCCCGATGAAGCAGCTGCAGCCGC).
Protein change: p.Met1_Gln7del.
Molecular consequence: inframe deletion, initiator codon variant. On other transcripts: 5 prime UTR variant (1), non-coding transcript variant (1).
Genome position (GRCh38, 1-based): chr3:47,163,906-47,163,929, GCGGCTGCAGCTGCTTCATCGGGA deleted on the plus strand (TCCCGATGAAGCAGCTGCAGCCGC on the coding strand, the reverse complement: SETD2 is on the minus strand); deleting any 24 consecutive bases within chr3:47,163,906-47,163,936 gives the same sequence; the c. name uses the placement nearest the transcript's 3' end. VCF-style (leftmost placement, unchanged base first): chr3-47163905-TGCGGCTGCAGCTGCTTCATCGGGA-T. GRCh37 (hg19) VCF-style: chr3-47205395-TGCGGCTGCAGCTGCTTCATCGGGA-T.
Other names: c.-121_-98del (NM_001349370.3).
Identifiers: ClinVar variation 4056937 (VCV004056937.2).